The following is an entry in ClinVar:

NM_000548.5(TSC2):c.1947-83G>T

Gene: TSC2 (TSC complex subunit 2; plus strand). Cytogenetic location: 16p13.3.
Variant type: single nucleotide variant.
Coding change: c.1947-83G>T on transcript NM_000548.5 (MANE Select); 83 bases into the intron before coding-DNA position 1947, G replaced by T.
Molecular consequence: intron variant.
Genome position (GRCh38, 1-based): chr16:2,071,701, G>T. VCF-style: chr16-2071701-G-T. GRCh37 (hg19) VCF-style: chr16-2121702-G-T.
Other names: c.1947-83G>T (NM_001114382.3, NM_021055.3, NM_001370405.1 and 3 more transcripts); c.1836-83G>T (NM_001318827.2); c.1347-83G>T (NM_001318831.2); c.1800-83G>T (NM_001318829.2); c.1980-83G>T (NM_001318832.2).
Identifiers: ClinVar variation 1687239 (VCV001687239.1), dbSNP rs2151301458, ClinGen allele CA2573151553.

ClinVar aggregate classification (germline): Uncertain significance (1 of 4 stars; one submission).

Conditions:
Tuberous sclerosis 2 (TSC2). Identifiers: Orphanet 805, MedGen C1860707, MONDO:0013199, OMIM 613254.

Submission:

3billion
Classification: Uncertain significance for Tuberous sclerosis 2. Last evaluated: 2022-05-22. Review status: criteria provided, single submitter. Criteria: ACMG Guidelines, 2015. Collection method: clinical testing. Allele origin: germline. Affected: yes. Observed: 1 heterozygote.
Comment: The variant is not observed in the gnomAD v2.1.1 dataset. In silico tools predict the variant to alter splicing and produce an abnormal transcript (SpliceAI: 1.00). Therefore, this variant is classified as uncertain significanceaccording to the recommendation of ACMG/AMP guideline.